The following is an entry in ClinVar:

NM_000180.4(GUCY2D):c.1384G>C (p.Glu462Gln)

Gene: GUCY2D (guanylate cyclase 2D, retinal; plus strand). Cytogenetic location: 17p13.1.
Variant type: single nucleotide variant.
Coding change: c.1384G>C on transcript NM_000180.4 (MANE Select); coding-DNA position 1384, G replaced by C.
Protein change: p.Glu462Gln; replaces glutamic acid 462 with glutamine.
Molecular consequence: missense variant.
Genome position (GRCh38, 1-based): chr17:8,007,065, G>C. VCF-style: chr17-8007065-G-C. GRCh37 (hg19) VCF-style: chr17-7910383-G-C.
Other names: short protein forms E462Q.
Identifiers: ClinVar variation 2578782 (VCV002578782.25), dbSNP rs1323099555, ClinGen allele CA397948671.
Genomic context (GRCh38, chr17:8,007,065, plus strand): 5'-AAGAGGCCTCCCCTGGCATCGCTCCTCAGTATACCTCCTGTCACTGTCCCTTCAGGACTG[G>C]AGCCGGGCCTCGTCTTTCTTGGCTTCCTCCTGGTGGTTGGGATGGGGCTGGCTGGGGCCT-3'
Protein context (NP_000171.1, residues 452-472): DPNNICGGGL[Glu462Gln]PGLVFLGFLL

ClinVar aggregate classification (germline): Uncertain significance (1 of 4 stars; one submission).

Submission:

CeGaT Center for Human Genetics Tuebingen
Classification: Uncertain significance. Last evaluated: 2023-07-01. Review status: criteria provided, single submitter. Criteria: CeGaT Center For Human Genetics Tuebingen Variant Classification Criteria Version 2. Collection method: clinical testing. Allele origin: germline. Affected: yes. Observed: 1 variant allele.
Comment: GUCY2D: PM2, BP4